The following is an entry in ClinVar:

ClinVar aggregate classification (germline): Uncertain significance (1 of 4 stars; one submission).

Conditions:
CEP290-related disorder. Also called: CEP290-related condition; CEP290-related disorders. Identifiers: MedGen CN239314.

Submission:

PreventionGenetics, part of Exact Sciences
Classification: Uncertain significance for CEP290-related condition. Last evaluated: 2026-07-10. Review status: criteria provided, single submitter. Criteria: ACMG Guidelines, 2015. Collection method: clinical testing. Allele origin: germline.
Comment: The CEP290 c.4304T>A variant is predicted to result in the amino acid substitution p.Phe1435Tyr. To our knowledge, this variant has not been reported in the literature or in a large population database (gnomAD), indicating this variant is rare. At this time, the clinical significance of this variant is uncertain due to the absence of conclusive functional and genetic evidence.

NM_025114.4(CEP290):c.4304T>A (p.Phe1435Tyr)

Gene: CEP290 (centrosomal protein 290; minus strand). Cytogenetic location: 12q21.32.
Variant type: single nucleotide variant.
Coding change: c.4304T>A on transcript NM_025114.4 (MANE Select); coding-DNA position 4304, T replaced by A.
Protein change: p.Phe1435Tyr; replaces phenylalanine 1435 with tyrosine.
Molecular consequence: missense variant.
Genome position (GRCh38, 1-based): chr12:88,086,172, A>T on the plus strand (T>A on the coding strand, the complement: CEP290 is on the minus strand). VCF-style: chr12-88086172-A-T. GRCh37 (hg19) VCF-style: chr12-88479949-A-T.
Other names: short protein forms F1435Y.
Identifiers: ClinVar variation 4980440 (VCV004980440.1).